The following is an entry in ClinVar:

NM_003661.4(APOL1):c.1172T>G (p.Ile391Ser)

Gene: APOL1 (apolipoprotein L1; plus strand). Cytogenetic location: 22q12.3.
Variant type: single nucleotide variant.
Coding change: c.1172T>G on transcript NM_003661.4 (MANE Select); coding-DNA position 1172, T replaced by G.
Protein change: p.Ile391Ser; replaces isoleucine 391 with serine.
Molecular consequence: missense variant.
Genome position (GRCh38, 1-based): chr22:36,266,008, T>G. VCF-style: chr22-36266008-T-G. GRCh37 (hg19) VCF-style: chr22-36662054-T-G.
Other names: c.1172T>G, p.Ile391Ser (NM_001136540.2); c.1118T>G, p.Ile373Ser (NM_001136541.2, NM_001362927.2); c.1220T>G, p.Ile407Ser (NM_145343.3); short protein forms I373S, I391S, I407S.
Identifiers: ClinVar variation 1911594 (VCV001911594.4), dbSNP rs1309922180, ClinGen allele CA411369080.

ClinVar aggregate classification (germline): Uncertain significance (1 of 4 stars; one submission).

Allele frequency attached by ClinVar (database versions not stated): gnomAD exomes below 0.00001.

Submission:

Labcorp Genetics (formerly Invitae), Labcorp
Classification: Uncertain significance. Last evaluated: 2024-09-05. Review status: criteria provided, single submitter. Criteria: Invitae Variant Classification Sherloc (09022015). Collection method: clinical testing. Allele origin: germline.
Comment: This sequence change replaces isoleucine, which is neutral and non-polar, with serine, which is neutral and polar, at codon 391 of the APOL1 protein (p.Ile391Ser). This variant is present in population databases (no rsID available, gnomAD 0.003%). This variant has not been reported in the literature in individuals affected with APOL1-related conditions. ClinVar contains an entry for this variant (Variation ID: 1911594). An algorithm developed to predict the effect of missense changes on protein structure and function outputs the following: PolyPhen-2: "Possibly Damaging". The serine amino acid residue is found in multiple mammalian species, which suggests that this missense change does not adversely affect protein function. In summary, the available evidence is currently insufficient to determine the role of this variant in disease. Therefore, it has been classified as a Variant of Uncertain Significance.